The following is an entry in ClinVar:

ClinVar aggregate classification (germline): Uncertain significance (1 of 4 stars; one submission).

Allele frequency attached by ClinVar (database versions not stated): gnomAD 0.00001; gnomAD exomes 0.00001; TOPMed 0.00001.

Submission:

CeGaT Center for Human Genetics Tuebingen
Classification: Uncertain significance. Last evaluated: 2024-03-01. Review status: criteria provided, single submitter. Criteria: CeGaT Center For Human Genetics Tuebingen Variant Classification Criteria Version 2. Collection method: clinical testing. Allele origin: germline. Affected: yes. Observed: 1 variant allele.
Comment: STING1: PM2, BP4

NM_198282.4(STING1):c.686C>T (p.Thr229Ile)

Gene: STING1 (stimulator of interferon response cGAMP interactor 1; minus strand). Cytogenetic location: 5q31.2.
Variant type: single nucleotide variant.
Coding change: c.686C>T on transcript NM_198282.4 (MANE Select); coding-DNA position 686, C replaced by T.
Protein change: p.Thr229Ile; replaces threonine 229 with isoleucine.
Molecular consequence: missense variant.
Genome position (GRCh38, 1-based): chr5:139,478,343, G>A on the plus strand (C>T on the coding strand, the complement: STING1 is on the minus strand). VCF-style: chr5-139478343-G-A. GRCh37 (hg19) VCF-style: chr5-138857928-G-A.
Other names: c.686C>T, p.Thr229Ile (NM_001301738.2); c.329C>T, p.Thr110Ile (NM_001367258.1); short protein forms T110I, T229I.
Identifiers: ClinVar variation 3067658 (VCV003067658.21), dbSNP rs983208285, ClinGen allele CA128747997.
Genomic context (GRCh38, chr5:139,478,343, plus strand): 5'-TCCAGAAGCTCATAGATGCTGTTGCTGTAAACCCGATCCTTGATGCCAGCATGGTCACCG[G>A]TCTGCTGGGGCAGTTTATCCAGGAAGCGAATGTTGGGGTCAGCCATACTCAGGTTATCAG-3'
Protein context (NP_938023.1, residues 219-239): IRFLDKLPQQ[Thr229Ile]GDHAGIKDRV